The following is an entry in ClinVar:

ClinVar aggregate classification (germline): Uncertain significance (1 of 4 stars; one submission).

Conditions:
Cardiovascular phenotype. Identifiers: MedGen CN230736.

gnomAD v4.1: 16 of 1,582,916 alleles (0.001%); highest among the groups gnomAD compares: Admixed American, 0.0071%; no homozygotes.

Submission:

Ambry Genetics
Classification: Uncertain significance for Cardiovascular phenotype. Last evaluated: 2021-07-28. Review status: criteria provided, single submitter. Criteria: Ambry Variant Classification Scheme 2023. Collection method: clinical testing. Allele origin: germline.
Comment: The p.G360R variant (also known as c.1078G>C), located in coding exon 7 of the LMF1 gene, results from a G to C substitution at nucleotide position 1078. The glycine at codon 360 is replaced by arginine, an amino acid with dissimilar properties. However, this change occurs in the last base pair of coding exon 7 and may have some effect on normal mRNA splicing. This nucleotide position is well conserved in available vertebrate species. In silico splice site analysis for this alteration is inconclusive. This amino acid position is well conserved in available vertebrate species. In addition, this alteration is predicted to be tolerated by Bayesdel in silico analysis. Since supporting evidence is limited at this time, the clinical significance of this alteration remains unclear.

NM_022773.4(LMF1):c.1078G>C (p.Gly360Arg)

Gene: LMF1 (lipase maturation factor 1; minus strand). Cytogenetic location: 16p13.3.
Variant type: single nucleotide variant.
Coding change: c.1078G>C on transcript NM_022773.4 (MANE Select); coding-DNA position 1078, G replaced by C.
Protein change: p.Gly360Arg; replaces glycine 360 with arginine.
Molecular consequence: missense variant. On other transcripts: non-coding transcript variant (1).
Genome position (GRCh38, 1-based): chr16:871,161, C>G on the plus strand (G>C on the coding strand, the complement: LMF1 is on the minus strand). VCF-style: chr16-871161-C-G. GRCh37 (hg19) VCF-style: chr16-921161-C-G.
Other names: c.427G>C, p.Gly143Arg (NM_001352017.2, NM_001352021.2); c.679G>C, p.Gly227Arg (NM_001352018.2); c.751G>C, p.Gly251Arg (NM_001352019.2); c.1078G>C, p.Gly360Arg (NM_001352020.1); short protein forms G143R, G360R, G227R, G251R.
Identifiers: ClinVar variation 1785533 (VCV001785533.2), dbSNP rs762677583, ClinGen allele CA7797222.
Genomic context (GRCh38, chr16:871,161, plus strand): 5'-GGCTGGCACCACCCGACTTTCTCCTGCCCTTGGGCAGGGGCCCCCAGCTGAGCCACCTAC[C>G]GAATCTGGGCTCGGGCCGGGCCCCTCGGATGTCCCTCTGCATCTGCAGAACTCGGTCCTT-3'
Protein context (NP_073610.2, residues 350-370): IRGARPEPRF[Gly360Arg]SVVRRAANVS